The following is an entry in ClinVar:

ClinVar aggregate classification (germline): Benign. Review status: criteria provided, multiple submitters, no conflicts (2 of 4 stars). 2 submissions from 2 submitters: Benign (2). Last evaluated 2018-01-13.

Conditions:
Biotin-responsive basal ganglia disease (BTBGD). Also called: Thiamine Transporter-2 Deficiency; THIAMINE METABOLISM DYSFUNCTION SYNDROME 2 (BIOTIN- AND THIAMINE-RESPONSIVE TYPE); Thiamine metabolism dysfunction syndrome type 2; Thiamine metabolism dysfunction syndrome 2 (biotin- or thiamine-responsive encephalopathy type 2); thiamine-responsive encephalopathy. Identifiers: Orphanet 199348, Orphanet 65284, MedGen C1843807, MONDO:0011841, OMIM 607483.

Allele frequency attached by ClinVar (database versions not stated): TOPMed 0.99631; gnomAD 0.99641 and 0.99677; 1000 Genomes Project 0.99700; 1000 Genomes Project 30x 0.99750; gnomAD exomes 1.00000.
gnomAD v4.1: 151,891 of 152,378 alleles (100%); highest among the groups gnomAD compares: Middle Eastern, 100%; 75,709 homozygotes.

Submissions (2):

Illumina Laboratory Services, Illumina
Classification: Benign for Biotin-responsive basal ganglia disease. Last evaluated: 2018-01-13. Review status: criteria provided, single submitter. Criteria: ICSL Variant Classification Criteria 13 December 2019. Collection method: clinical testing. Allele origin: germline.
Comment: This variant was observed in the ICSL laboratory as part of a predisposition screen in an ostensibly healthy population. It had not been previously curated by ICSL or reported in the Human Gene Mutation Database (HGMD: prior to June 1st, 2018), and was therefore a candidate for classification through an automated scoring system. Utilizing variant allele frequency, disease prevalence and penetrance estimates, and inheritance mode, an automated score was calculated to assess if this variant is too frequent to cause the disease. Based on the score and internal cut-off values, a variant classified as benign is not then subjected to further curation. The score for this variant resulted in a classification of benign for this disease.

Breakthrough Genomics
Classification: Benign. Review status: criteria provided, single submitter. Criteria: ACMG Guidelines, 2015. Collection method: not provided. Allele origin: germline. Inheritance: Autosomal recessive inheritance. Affected: yes.

NM_025243.4(SLC19A3):c.*2109C>T

Gene: SLC19A3 (solute carrier family 19 member 3; minus strand). Cytogenetic location: 2q36.3.
Variant type: single nucleotide variant.
Coding change: c.*2109C>T on transcript NM_025243.4 (MANE Select); 2109 bases downstream of the stop codon, C replaced by T.
Molecular consequence: 3 prime UTR variant.
Genome position (GRCh38, 1-based): chr2:227,685,288, G>A on the plus strand (C>T on the coding strand, the complement: SLC19A3 is on the minus strand). VCF-style: chr2-227685288-G-A. GRCh37 (hg19) VCF-style: chr2-228550004-G-A.
Identifiers: ClinVar variation 334834 (VCV000334834.6), dbSNP rs7593437, ClinGen allele CA10612695.